The following is an entry in ClinVar:

ClinVar aggregate classification (germline): Uncertain significance. Review status: criteria provided, multiple submitters, no conflicts (2 of 4 stars). 2 submissions from 2 submitters: Uncertain significance (2). Last evaluated 2025-11-25.

Conditions:
Hereditary breast ovarian cancer syndrome. Also called: Hereditary breast and ovarian cancer; Hereditary breast and/or ovarian cancer syndrome; BRCA1- and BRCA2-Associated Hereditary Breast and Ovarian Cancer; Hereditary breast and ovarian cancer syndrome; Hereditary breast and ovarian cancer syndrome (HBOC); Breast and ovarian cancer. Identifiers: Orphanet 145, MedGen C0677776, MeSH D061325, MONDO:0003582. Disease mechanism: loss of function.
Hereditary cancer-predisposing syndrome. Also called: Tumor predisposition; Hereditary Cancer Syndrome; Hereditary neoplastic syndrome; Neoplastic Syndromes, Hereditary. Identifiers: Orphanet 140162, MedGen C0027672, MeSH D009386, MONDO:0015356.

Submissions (2):

Ambry Genetics
Classification: Uncertain significance for Hereditary cancer-predisposing syndrome. Last evaluated: 2025-11-25. Review status: criteria provided, single submitter. Criteria: Ambry Variant Classification Scheme 2023. Collection method: clinical testing. Allele origin: germline.
Comment: The p.F2600L variant (also known as c.7800T>G), located in coding exon 15 of the BRCA2 gene, results from a T to G substitution at nucleotide position 7800. The phenylalanine at codon 2600 is replaced by leucine, an amino acid with highly similar properties. This amino acid position is highly conserved in available vertebrate species. In addition, the in silico prediction for this alteration is inconclusive. Based on the available evidence, the clinical significance of this variant remains unclear.

Labcorp Genetics (formerly Invitae), Labcorp
Classification: Uncertain significance for Hereditary breast ovarian cancer syndrome. Last evaluated: 2016-07-06. Review status: criteria provided, single submitter. Criteria: Invitae Variant Classification Sherloc (09022015). Collection method: clinical testing. Allele origin: germline.
Comment: This sequence change replaces phenylalanine with leucine at codon 2600 of the BRCA2 protein (p.Phe2600Leu). The phenylalanine residue is highly conserved and there is a small physicochemical difference between phenylalanine and leucine. This variant is not present in population databases (ExAC no frequency) and has not been reported in the literature in individuals with a BRCA2-related disease. Algorithms developed to predict the effect of missense changes on protein structure and function do not agree on the potential impact of this missense change (SIFT: "Tolerated"; PolyPhen-2: "Probably Damaging"; Align-GVGD: "Class C0"). In summary, this variant is a novel missense change with uncertain impact on protein function. It has been classified as a Variant of Uncertain Significance.

NM_000059.4(BRCA2):c.7800T>G (p.Phe2600Leu)

Gene: BRCA2 (BRCA2 DNA repair associated; plus strand). Cytogenetic location: 13q13.1.
Variant type: single nucleotide variant.
Coding change: c.7800T>G on transcript NM_000059.4 (MANE Select); coding-DNA position 7800, T replaced by G.
Protein change: p.Phe2600Leu; replaces phenylalanine 2600 with leucine.
Molecular consequence: missense variant.
Genome position (GRCh38, 1-based): chr13:32,357,924, T>G. VCF-style: chr13-32357924-T-G. GRCh37 (hg19) VCF-style: chr13-32932061-T-G.
Other names: short protein forms F2600L.
Identifiers: ClinVar variation 409461 (VCV000409461.10), dbSNP rs1060502408, ClinGen allele CA16614214.